The following is an entry in ClinVar:

ClinVar aggregate classification (germline): Uncertain significance (1 of 4 stars; one submission).

Submission:

Labcorp Genetics (formerly Invitae), Labcorp
Classification: Uncertain significance. Last evaluated: 2025-12-30. Review status: criteria provided, single submitter. Criteria: Invitae Variant Classification Sherloc (09022015). Collection method: clinical testing. Allele origin: germline.
Comment: This sequence change creates a premature translational stop signal (p.Ser1979Phefs*6) in the CACNA1E gene. It is expected to result in an absent or disrupted protein product. However, the current clinical and genetic evidence is not sufficient to establish whether loss-of-function variants in CACNA1E cause disease. This variant is not present in population databases (gnomAD no frequency). This variant has not been reported in the literature in individuals affected with CACNA1E-related conditions. In summary, the available evidence is currently insufficient to determine the role of this variant in disease. Therefore, it has been classified as a Variant of Uncertain Significance.

NM_001205293.3(CACNA1E):c.6064dup (p.Ser2022fs)

Gene: CACNA1E (calcium voltage-gated channel subunit alpha1 E; plus strand). Cytogenetic location: 1q25.3.
Variant type: Duplication.
Coding change: c.6064dup on transcript NM_001205293.3 (MANE Select); coding-DNA position 6064, one base duplicated (T; older notation c.6064dupT).
Protein change: p.Ser2022fs; shifts the reading frame from serine 2022.
Molecular consequence: frameshift variant.
Genome position (GRCh38, 1-based): chr1:181,794,900, T duplicated; the last of 4 consecutive T bases (chr1:181,794,897-181,794,900); duplicating any one gives the same sequence. VCF-style (leftmost placement, unchanged base first): chr1-181794896-A-AT. GRCh37 (hg19) VCF-style: chr1-181764032-A-AT.
Other names: c.5935dup, p.Ser1979fs (NM_000721.4); c.5878dup, p.Ser1960fs (NM_001205294.2); short protein forms S1960fs, S1979fs, S2022fs.
Identifiers: ClinVar variation 4734395 (VCV004734395.1).